The following is an entry in ClinVar:

ClinVar aggregate classification (germline): Pathogenic. Review status: criteria provided, single submitter (1 of 4 stars). 3 submissions from 3 submitters: Pathogenic (1). 2 of the submissions do not count toward it. Last evaluated 2025-06-25.

Conditions:
Dyskeratosis congenita, autosomal dominant 1 (DKCA1). Also called: Dyskeratosis congenita Scoggins type. Identifiers: Orphanet 1775, MedGen C4551974, MONDO:0007485, OMIM 127550. Inheritance: Variable.

Submissions (3):

Labcorp Genetics (formerly Invitae), Labcorp
Classification: Pathogenic for Dyskeratosis congenita, autosomal dominant 1. Last evaluated: 2025-06-25. Review status: criteria provided, single submitter. Criteria: Invitae Variant Classification Sherloc (09022015). Collection method: clinical testing. Allele origin: germline.
Comment: This variant occurs in the TERC gene, which encodes an RNA molecule that does not result in a protein product. This variant is not present in population databases (gnomAD no frequency). This variant has been observed in individual(s) with dyskeratosis congenita (PMID: 11574891; internal data). It has also been observed to segregate with disease in related individuals. Experimental studies and prediction algorithms are not available or were not evaluated, and the functional significance of this variant is currently unknown. This variant is located within the BoxH/ACA scaRNA domain of the TERC RNA component, which is required for telomerase activity (PMID: 21844345). For these reasons, this variant has been classified as Pathogenic.

GeneReviews
Classification: Pathogenic for Dyskeratosis Congenita. Last evaluated: 2012-05-10. Review status: no assertion criteria provided. Collection method: curation. Allele origin: unknown. Not counted in ClinVar's aggregate classification.
ClinVar note: Converted during submission from pathologic to Pathogenic.

OMIM
Classification: Pathogenic for DYSKERATOSIS CONGENITA, AUTOSOMAL DOMINANT 1. Last evaluated: 2001-09-27. Review status: no assertion criteria provided. Collection method: literature only. Allele origin: germline. Not counted in ClinVar's aggregate classification.

Literature cited by the submitters: PubMed 11574891 (cited by Labcorp Genetics (formerly Invitae), Labcorp and OMIM); PubMed 21844345 (cited by Labcorp Genetics (formerly Invitae), Labcorp).

NC_000003.12:g.169763867_169764687del

Genes: TERC (telomerase RNA component; minus strand), LOC129937871 (ATAC-STARR-seq lymphoblastoid active region 20782; plus strand). Cytogenetic location: 3q26.2.
Variant type: Deletion.
Genome position: GRCh38: chr3:169,763,867-169,764,687. GRCh37 (hg19): chr3:169,481,655-169,482,475.
Other names: 821 bp deletion including 3' end of TERC.
Identifiers: ClinVar variation 7319 (VCV000007319.6), dbSNP rs1553915517, ClinGen allele CA340670.